The following is an entry in ClinVar:

ClinVar aggregate classification (germline): Uncertain significance. Review status: criteria provided, multiple submitters, no conflicts (2 of 4 stars). 2 submissions from 2 submitters: Uncertain significance (2). Last evaluated 2022-03-15.

Conditions:
Intellectual developmental disorder, autosomal recessive 7. Also called: Intellectual disability, autosomal recessive 7. Identifiers: Orphanet 88616, MedGen C1970197, MONDO:0012615, OMIM 611093.
Inborn genetic diseases. Identifiers: MedGen C0950123, MeSH D030342.

gnomAD v4.1: 6 of 1,607,246 alleles (0.00037%); highest among the groups gnomAD compares: Non-Finnish European, 0.00051%; no homozygotes.

Submissions (2):

Baylor Genetics
Classification: Uncertain significance for Intellectual developmental disorder, autosomal recessive 7. Last evaluated: 2022-03-15. Review status: criteria provided, single submitter. Criteria: ACMG Guidelines, 2015. Collection method: clinical testing. Allele origin: unknown.

Ambry Genetics
Classification: Uncertain significance for Inborn genetic diseases. Last evaluated: 2017-07-21. Review status: criteria provided, single submitter. Criteria: Ambry Variant Classification Scheme 2023. Collection method: clinical testing. Allele origin: germline.
Comment: The p.R15Q variant (also known as c.44G>A), located in coding exon 1 of the TUSC3 gene, results from a G to A substitution at nucleotide position 44. The arginine at codon 15 is replaced by glutamine, an amino acid with highly similar properties. This amino acid position is well conserved in available vertebrate species. In addition, this alteration is predicted to be tolerated by in silico analysis. Since supporting evidence is limited at this time, the clinical significance of this alteration remains unclear.

NM_006765.4(TUSC3):c.44G>A (p.Arg15Gln)

Gene: TUSC3 (tumor suppressor candidate 3; plus strand). Cytogenetic location: 8p22.
Variant type: single nucleotide variant.
Coding change: c.44G>A on transcript NM_006765.4 (MANE Select); coding-DNA position 44, G replaced by A.
Protein change: p.Arg15Gln; replaces arginine 15 with glutamine.
Molecular consequence: missense variant.
Genome position (GRCh38, 1-based): chr8:15,540,474, G>A. VCF-style: chr8-15540474-G-A. GRCh37 (hg19) VCF-style: chr8-15397983-G-A.
Other names: c.44G>A, p.Arg15Gln (NM_001356429.2, NM_001413583.1, NM_001413673.1 and 17 more transcripts); c.-271G>A (NM_001413677.1); c.-174G>A (NM_001413678.1); short protein forms R15Q.
Identifiers: ClinVar variation 1741031 (VCV001741031.3), dbSNP rs760691014, ClinGen allele CA370389424.